The following is an entry in ClinVar:

ClinVar aggregate classification (germline): Uncertain significance (1 of 4 stars; one submission).

Submission:

Ambry Genetics
Classification: Uncertain significance. Last evaluated: 2024-05-04. Review status: criteria provided, single submitter. Criteria: Ambry Variant Classification Scheme 2023. Collection method: clinical testing. Allele origin: germline.
Comment: The p.G1228E variant (also known as c.3683G>A), located in coding exon 4 of the ALPK2 gene, results from a G to A substitution at nucleotide position 3683. The glycine at codon 1228 is replaced by glutamic acid, an amino acid with similar properties. This amino acid position is conserved. In addition, this alteration is predicted to be tolerated by in silico analysis. Based on the available evidence, the clinical significance of this variant remains unclear.

NM_052947.4(ALPK2):c.3683G>A (p.Gly1228Glu)

Genes: ALPK2 (alpha kinase 2; minus strand), LOC126862764 (BRD4-independent group 4 enhancer GRCh37_chr18:56202574-56203773; plus strand). Cytogenetic location: 18q21.31.
Variant type: single nucleotide variant.
Coding change: c.3683G>A on transcript NM_052947.4 (MANE Select); coding-DNA position 3683, G replaced by A.
Protein change: p.Gly1228Glu; replaces glycine 1228 with glutamic acid.
Molecular consequence: missense variant.
Genome position (GRCh38, 1-based): chr18:58,536,504, C>T on the plus strand (G>A on the coding strand, the complement: ALPK2 is on the minus strand). VCF-style: chr18-58536504-C-T. GRCh37 (hg19) VCF-style: chr18-56203736-C-T.
Other names: short protein forms G1228E.
Identifiers: ClinVar variation 3290331 (VCV003290331.1).